The following is an entry in ClinVar:

NM_003924.4(PHOX2B):c.19T>C (p.Ser7Pro)

Genes: PHOX2B (paired like homeobox 2B; minus strand), PHOX2B-AS1 (PHOX2B antisense RNA 1; plus strand). Cytogenetic location: 4p13.
Variant type: single nucleotide variant.
Coding change: c.19T>C on transcript NM_003924.4 (MANE Select); coding-DNA position 19, T replaced by C.
Protein change: p.Ser7Pro; replaces serine 7 with proline.
Molecular consequence: missense variant.
Genome position (GRCh38, 1-based): chr4:41,748,592, A>G on the plus strand (T>C on the coding strand, the complement: PHOX2B is on the minus strand). VCF-style: chr4-41748592-A-G. GRCh37 (hg19) VCF-style: chr4-41750609-A-G.
Other names: short protein forms S7P.
Identifiers: ClinVar variation 4825878 (VCV004825878.1).

ClinVar aggregate classification (germline): Uncertain significance (1 of 4 stars; one submission).

Conditions:
Hereditary cancer-predisposing syndrome. Also called: Neoplastic Syndromes, Hereditary; Tumor predisposition; Hereditary Cancer Syndrome; Hereditary neoplastic syndrome. Identifiers: Orphanet 140162, MedGen C0027672, MeSH D009386, MONDO:0015356.

gnomAD v4.1: 2 of 1,613,246 alleles (0.00012%); highest among the groups gnomAD compares: Non-Finnish European, 0.00017%; no homozygotes.

Submission:

Ambry Genetics
Classification: Uncertain significance for Hereditary cancer-predisposing syndrome. Last evaluated: 2026-03-06. Review status: criteria provided, single submitter. Criteria: Ambry Variant Classification Scheme 2023. Collection method: clinical testing. Allele origin: germline.
Comment: The p.S7P variant (also known as c.19T>C), located in coding exon 1 of the PHOX2B gene, results from a T to C substitution at nucleotide position 19. The serine at codon 7 is replaced by proline, an amino acid with similar properties. This amino acid position is conserved. In addition, this alteration is predicted to be deleterious by in silico analysis. Based on the available evidence, the clinical significance of this variant remains unclear.